The following is an entry in ClinVar:

ClinVar aggregate classification (germline): Likely benign (0 of 4 stars; one submission).

Conditions:
CABIN1-related disorder. Also called: CABIN1-related condition.

Allele frequency attached by ClinVar (database versions not stated): gnomAD 0.00008; ExAC 0.00012; TOPMed 0.00012; gnomAD exomes 0.00018.
gnomAD v4.1: 276 of 1,614,072 alleles (0.017%); highest among the groups gnomAD compares: East Asian, 0.076%; no homozygotes.

Submission:

PreventionGenetics, part of Exact Sciences
Classification: Likely benign for CABIN1-related condition. Last evaluated: 2019-12-05. Review status: no assertion criteria provided. Collection method: clinical testing. Allele origin: germline.
Comment: This variant is classified as likely benign based on ACMG/AMP sequence variant interpretation guidelines (Richards et al. 2015 PMID: 25741868, with internal and published modifications).

NM_012295.4(CABIN1):c.771G>A (p.Pro257=)

Gene: CABIN1 (calcineurin binding protein 1; plus strand). Cytogenetic location: 22q11.23.
Variant type: single nucleotide variant.
Coding change: c.771G>A on transcript NM_012295.4 (MANE Select); coding-DNA position 771, G replaced by A.
Protein change: p.Pro257=; no amino-acid change (proline 257 retained).
Molecular consequence: synonymous variant. On other transcripts: intron variant (1).
Genome position (GRCh38, 1-based): chr22:24,050,939, G>A. VCF-style: chr22-24050939-G-A. GRCh37 (hg19) VCF-style: chr22-24447401-G-A.
Other names: c.771G>A, p.Pro257= (NM_001199281.1); c.656+1719G>A (NM_001201429.2).
Identifiers: ClinVar variation 3049066 (VCV003049066.2), dbSNP rs758954607, ClinGen allele CA10148434.